The following is an entry in ClinVar:

ClinVar aggregate classification (germline): Likely benign (0 of 4 stars; one submission).

Conditions:
DEFB128-related disorder. Also called: DEFB128-related condition.

Allele frequency attached by ClinVar (database versions not stated): gnomAD exomes 0.00032; ExAC 0.00091; gnomAD 0.00291; ESP Exome Variant Server 0.00308; TOPMed 0.00332; 1000 Genomes Project 0.00419; 1000 Genomes Project 30x 0.00468.

Submission:

PreventionGenetics, part of Exact Sciences
Classification: Likely benign for DEFB128-related condition. Last evaluated: 2023-05-22. Review status: no assertion criteria provided. Collection method: clinical testing. Allele origin: germline.
Comment: This variant is classified as likely benign based on ACMG/AMP sequence variant interpretation guidelines (Richards et al. 2015 PMID: 25741868, with internal and published modifications).

NM_001037732.3(DEFB128):c.2T>A (p.Met1Lys)

Gene: DEFB128 (defensin beta 128; minus strand). Cytogenetic location: 20p13.
Variant type: single nucleotide variant.
Coding change: c.2T>A on transcript NM_001037732.3 (MANE Select); coding-DNA position 2, T replaced by A.
Protein change: p.Met1Lys; changes the start codon (methionine 1).
Molecular consequence: missense variant, initiator codon variant.
Genome position (GRCh38, 1-based): chr20:189,622, A>T on the plus strand (T>A on the coding strand, the complement: DEFB128 is on the minus strand). VCF-style: chr20-189622-A-T. GRCh37 (hg19) VCF-style: chr20-170263-A-T.
Other names: short protein forms M1K.
Identifiers: ClinVar variation 3046097 (VCV003046097.2), dbSNP rs145944118, ClinGen allele CA9721226.
Genomic context (GRCh38, chr20:189,622, plus strand): 5'-TTGGACAAGTTACCTGTGAGTACCTCAAACAGCAGAATAATGAGAACCAGAAACAGCTTC[A>T]TATTTACAGACTTCCCAAGAGAAAGAGGCAGCAGAACTTTGTCCAGTGGTCTGTGTGCCA-3'
Protein context (NP_001032821.1, residues 1-11): [Met1Lys]KLFLVLIILL